The following is an entry in ClinVar:

ClinVar aggregate classification (germline): Likely benign. Review status: criteria provided, multiple submitters, no conflicts (2 of 4 stars). 3 submissions from 3 submitters: Likely benign (3). Last evaluated 2025-11-24.

Conditions:
Hereditary diffuse gastric adenocarcinoma (HDGC). Also called: DIFFUSE GASTRIC AND LOBULAR BREAST CANCER SYNDROME. Identifiers: Orphanet 26106, MedGen C1708349, MONDO:0007648, OMIM 137215.

Allele frequency attached by ClinVar (database versions not stated): ExAC 0.00002; gnomAD exomes 0.00002 and 0.00001; TOPMed 0.00001.
gnomAD v4.1: 15 of 1,410,650 alleles (0.0011%); highest among the groups gnomAD compares: South Asian, 0.0069%; no homozygotes.

Submissions (3):

Labcorp Genetics (formerly Invitae), Labcorp
Classification: Likely benign. Last evaluated: 2025-11-24. Review status: criteria provided, single submitter. Criteria: Invitae Variant Classification Sherloc (09022015). Collection method: clinical testing. Allele origin: germline.

Myriad Genetics, Inc.
Classification: Likely benign for Hereditary diffuse gastric adenocarcinoma. Last evaluated: 2024-10-14. Review status: criteria provided, single submitter. Criteria: Myriad Autosomal Dominant, Autosomal Recessive and X-Linked Classification Criteria (2023). Collection method: clinical testing. Allele origin: unknown.
Comment: This variant is considered likely benign. This variant is intronic and is not expected to impact mRNA splicing.

Blueprint Genetics
Classification: Likely benign. Last evaluated: 2022-08-09. Review status: criteria provided, single submitter. Criteria: ACMG Guidelines, 2015. Collection method: clinical testing. Allele origin: germline.

NM_001903.5(CTNNA1):c.2010+10C>T

Gene: CTNNA1 (catenin alpha 1; plus strand). Cytogenetic location: 5q31.2.
Variant type: single nucleotide variant.
Coding change: c.2010+10C>T on transcript NM_001903.5 (MANE Select); 10 bases into the intron after coding-DNA position 2010, C replaced by T.
Molecular consequence: intron variant.
Genome position (GRCh38, 1-based): chr5:138,929,366, C>T. VCF-style: chr5-138929366-C-T. GRCh37 (hg19) VCF-style: chr5-138265055-C-T.
Other names: c.2010+10C>T (NM_001323982.2, NM_001323984.2, NM_001290307.3 and 2 more transcripts); c.1917+10C>T (NM_001323986.2); c.1641+10C>T (NM_001290310.3); c.1701+10C>T (NM_001290309.3); c.900+10C>T (NM_001323996.1, NM_001323993.1, NM_001324005.1 and 17 more transcripts); c.561+10C>T (NM_001324007.1, NM_001324009.1, NM_001324006.1 and 2 more transcripts); c.657+10C>T (NM_001324013.1, NM_001324012.1); c.807+10C>T (NM_001324011.1).
Identifiers: ClinVar variation 728300 (VCV000728300.12), dbSNP rs752200734, ClinGen allele CA3432081.
Genomic context (GRCh38, chr5:138,929,366, plus strand): 5'-ACGAGCGTCCAGACAGAAGACGATCAGCTGATAGCTGGCCAGAGTGCCCGGGTAAGGAAG[C>T]GCTCCGTGGGGCAGTTCAGCTTGTGCTGCCGACTTTCCCTGTCCCCTTTCTTGTTTCCAG-3'